The following is an entry in ClinVar:

NM_000037.4(ANK1):c.5370G>T (p.Lys1790Asn)

Gene: ANK1 (ankyrin 1; minus strand). Cytogenetic location: 8p11.21.
Variant type: single nucleotide variant.
Coding change: c.5370G>T on transcript NM_000037.4 (MANE Select); coding-DNA position 5370, G replaced by T.
Protein change: p.Lys1790Asn; replaces lysine 1790 with asparagine.
Molecular consequence: missense variant.
Genome position (GRCh38, 1-based): chr8:41,668,291, C>A on the plus strand (G>T on the coding strand, the complement: ANK1 is on the minus strand). VCF-style: chr8-41668291-C-A. GRCh37 (hg19) VCF-style: chr8-41525809-C-A.
Other names: c.5370G>T (NM_000037.3); c.5493G>T, p.Lys1831Asn (NM_001142446.2); c.5370G>T, p.Lys1790Asn (NM_020475.3, NM_020476.3); c.4884G>T, p.Lys1628Asn (NM_020477.3); short protein forms K1790N, K1831N, K1628N.
Identifiers: ClinVar variation 597654 (VCV000597654.19), dbSNP rs760157830, ClinGen allele CA4727307.

ClinVar aggregate classification (germline): Conflicting classifications of pathogenicity. Review status: criteria provided, conflicting classifications (1 of 4 stars). 3 submissions from 3 submitters: Uncertain significance (2); Likely benign (1). Last evaluated 2025-02-01.

Conditions:
Inborn genetic diseases. Identifiers: MedGen C0950123, MeSH D030342.

Allele frequency attached by ClinVar (database versions not stated): gnomAD exomes 0.00002; TOPMed 0.00002; ExAC 0.00002; gnomAD 0.00002.

Submissions (3):

CeGaT Center for Human Genetics Tuebingen
Classification: Likely benign. Last evaluated: 2025-02-01. Review status: criteria provided, single submitter. Criteria: CeGaT Center For Human Genetics Tuebingen Variant Classification Criteria Version 2. Collection method: clinical testing. Allele origin: germline. Affected: yes. Observed: 1 variant allele.
Comment: ANK1: BP4

Ambry Genetics
Classification: Uncertain significance for Inborn genetic diseases. Last evaluated: 2024-12-24. Review status: criteria provided, single submitter. Criteria: Ambry Variant Classification Scheme 2023. Collection method: clinical testing. Allele origin: germline.

Eurofins Ntd Llc (ga)
Classification: Uncertain significance. Last evaluated: 2018-06-13. Review status: criteria provided, single submitter. Criteria: EGL ClinVar v180209 classification definitions. Collection method: clinical testing. Allele origin: germline. Observed: 1 variant allele, 1 heterozygote.